The following is an entry in ClinVar:

NM_007294.4(BRCA1):c.5102T>A (p.Leu1701Gln)

Gene: BRCA1 (BRCA1 DNA repair associated; minus strand). Cytogenetic location: 17q21.31.
Variant type: single nucleotide variant.
Coding change: c.5102T>A on transcript NM_007294.4 (MANE Select); coding-DNA position 5102, T replaced by A.
Protein change: p.Leu1701Gln; replaces leucine 1701 with glutamine.
Molecular consequence: missense variant. On other transcripts: non-coding transcript variant (1).
Genome position (GRCh38, 1-based): chr17:43,063,924, A>T on the plus strand (T>A on the coding strand, the complement: BRCA1 is on the minus strand). VCF-style: chr17-43063924-A-T. GRCh37 (hg19) VCF-style: chr17-41215941-A-T.
Other names: c.4889T>A, p.Leu1630Gln (NM_001407571.1, NM_001407907.1, NM_001407908.1 and 12 more transcripts); c.5168T>A, p.Leu1723Gln (NM_001407581.1, NM_001407582.1); c.5165T>A, p.Leu1722Gln (NM_001407583.1, NM_001407585.1, NM_001407587.1 and 1 more transcripts); c.5162T>A, p.Leu1721Gln (NM_001407590.1, NM_001407591.1); c.5102T>A, p.Leu1701Gln (NM_001407593.1, NM_001407594.1, NM_001407596.1 and 7 more transcripts); c.5099T>A, p.Leu1700Gln (NM_001407610.1, NM_001407611.1, NM_001407612.1 and 17 more transcripts); c.5096T>A, p.Leu1699Gln (NM_001407631.1, NM_001407632.1, NM_001407633.1 and 14 more transcripts); c.5024T>A, p.Leu1675Gln (NM_001407654.1, NM_001407655.1, NM_001407653.1); and 71 more; short protein forms L1654Q, L1701Q, L1722Q, L597Q, L556Q, L594Q, L1572Q, L1629Q.
Identifiers: ClinVar variation 867645 (VCV000867645.3), dbSNP rs1597820325, ClinGen allele CA10591326.

Conditions:
Breast-ovarian cancer, familial, susceptibility to, 1 (BROVCA1). Also called: BRCA1 Hereditary Breast and Ovarian Cancer; OVARIAN CANCER, SUSCEPTIBILITY TO. Identifiers: Orphanet 145, MedGen C2676676, MONDO:0011450, OMIM 604370. Disease mechanism: loss of function.

Submission:

Brotman Baty Institute, University of Washington
No classification provided (evidence only). Condition: Breast-ovarian cancer, familial 1. Review status: no classification provided. Collection method: in vitro. Allele origin: not applicable. Functional consequence: functionally_normal.
ClinVar note: "not provided" was previously submitted as the classification for the variant. However, the classification appeared to be based only on an observation of functional data so it was converted to no classification on 2025-07-30.